The following is an entry in ClinVar:

ClinVar aggregate classification (germline): Conflicting classifications of pathogenicity. Review status: criteria provided, conflicting classifications (1 of 4 stars). 4 submissions from 4 submitters: Uncertain significance (3); Likely benign (1). Last evaluated 2023-12-11.

Conditions:
Inborn genetic diseases. Identifiers: MedGen C0950123, MeSH D030342.
Joubert syndrome 25 (JBTS25). Identifiers: Orphanet 475, MedGen C4084842, MONDO:0014770, OMIM 616781.

Allele frequency attached by ClinVar (database versions not stated): gnomAD exomes 0.00006 and 0.00009; ExAC 0.00010; ESP Exome Variant Server 0.00015; 1000 Genomes Project 30x 0.00016; 1000 Genomes Project 0.00020; TOPMed 0.00020; gnomAD 0.00025 and 0.00026.
gnomAD v4.1: 127 of 1,614,168 alleles (0.0079%); highest among the groups gnomAD compares: African/African-American, 0.075%; no homozygotes.

Submissions (4):

Blueprint Genetics
Classification: Likely benign. Last evaluated: 2023-12-11. Review status: criteria provided, single submitter. Criteria: ACMG Guidelines, 2015. Collection method: clinical testing. Allele origin: germline.

Labcorp Genetics (formerly Invitae), Labcorp
Classification: Uncertain significance for Joubert syndrome 25. Last evaluated: 2023-05-26. Review status: criteria provided, single submitter. Criteria: Invitae Variant Classification Sherloc (09022015). Collection method: clinical testing. Allele origin: germline.
Comment: ClinVar contains an entry for this variant (Variation ID: 1306012). In summary, the available evidence is currently insufficient to determine the role of this variant in disease. Therefore, it has been classified as a Variant of Uncertain Significance. Algorithms developed to predict the effect of missense changes on protein structure and function output the following: SIFT: "Not Available"; PolyPhen-2: "Benign"; Align-GVGD: "Not Available". The methionine amino acid residue is found in multiple mammalian species, which suggests that this missense change does not adversely affect protein function. This variant has not been reported in the literature in individuals affected with CEP104-related conditions. This variant is present in population databases (rs148397021, gnomAD 0.05%). This sequence change replaces threonine, which is neutral and polar, with methionine, which is neutral and non-polar, at codon 628 of the CEP104 protein (p.Thr628Met).

Ambry Genetics
Classification: Uncertain significance for Inborn genetic diseases. Last evaluated: 2021-07-21. Review status: criteria provided, single submitter. Criteria: Ambry Variant Classification Scheme 2023. Collection method: clinical testing. Allele origin: germline.

GeneDx
Classification: Uncertain significance. Last evaluated: 2019-05-24. Review status: criteria provided, single submitter. Criteria: GeneDx Variant Classification Process June 2021. Collection method: clinical testing. Allele origin: germline. Affected: yes.
Comment: In silico analysis, which includes protein predictors and evolutionary conservation, supports that this variant does not alter protein structure/function; Has not been previously published as pathogenic or benign to our knowledge; Variants in candidate genes are classified as variants of uncertain significance in accordance with ACMG guidelines (Richards et al., 2015)

NM_014704.4(CEP104):c.1883C>T (p.Thr628Met)

Genes: CEP104 (centrosomal protein 104; minus strand), LOC126805586 (CDK7 strongly-dependent group 2 enhancer GRCh37_chr1:3745882-3747081; plus strand). Cytogenetic location: 1p36.32.
Variant type: single nucleotide variant.
Coding change: c.1883C>T on transcript NM_014704.4 (MANE Select); coding-DNA position 1883, C replaced by T.
Protein change: p.Thr628Met; replaces threonine 628 with methionine.
Molecular consequence: missense variant.
Genome position (GRCh38, 1-based): chr1:3,829,951, G>A on the plus strand (C>T on the coding strand, the complement: CEP104 is on the minus strand). VCF-style: chr1-3829951-G-A. GRCh37 (hg19) VCF-style: chr1-3746515-G-A.
Other names: short protein forms T628M.
Identifiers: ClinVar variation 1306012 (VCV001306012.7), dbSNP rs148397021, ClinGen allele CA551479.
Genomic context (GRCh38, chr1:3,829,951, plus strand): 5'-AGGTACTCCAGGATGGAAGCCTGGTGCTGTCTGTACATGTCCAAAATAATTCGAACCGCC[G>A]TCTCGCGGACCTCATACACTCTATGCTCCAGGGCACTCACTGAAAACTAAAGTTGGGAGG-3'
Protein context (NP_055519.1, residues 618-638): LEHRVYEVRE[Thr628Met]AVRIILDMYR